The following is an entry in ClinVar:

ClinVar aggregate classification (germline): Likely benign. Review status: criteria provided, multiple submitters, no conflicts (2 of 4 stars). 6 submissions from 6 submitters: Likely benign (5). 1 of the submissions does not count toward it. Last evaluated 2025-11-01.

Conditions:
HNRNPA1-related disorder. Also called: HNRNPA1-related condition.

Allele frequency attached by ClinVar (database versions not stated): gnomAD exomes 0.00016 and 0.00031; ExAC 0.00018; TOPMed 0.00018; 1000 Genomes Project 0.00020; gnomAD 0.00021; ESP Exome Variant Server 0.00023; 1000 Genomes Project 30x 0.00031.

Submissions (6):

CeGaT Center for Human Genetics Tuebingen
Classification: Likely benign. Last evaluated: 2025-11-01. Review status: criteria provided, single submitter. Criteria: CeGaT Center For Human Genetics Tuebingen Variant Classification Criteria Version 2. Collection method: clinical testing. Allele origin: germline. Affected: yes. Observed: 1 variant allele.
Comment: HNRNPA1: BP4, BP7

Mayo Clinic Laboratories, Mayo Clinic
Classification: Likely benign. Last evaluated: 2025-10-10. Review status: criteria provided, single submitter. Criteria: ACMG Guidelines, 2015. Collection method: clinical testing. Allele origin: germline. Observed: 1 variant allele.
Comment: BS2, BP4, BP7

Women's Health and Genetics/Laboratory Corporation of America, LabCorp
Classification: Likely benign. Last evaluated: 2025-10-03. Review status: criteria provided, single submitter. Criteria: LabCorp Variant Classification Summary - May 2015. Collection method: clinical testing. Allele origin: germline.

Blueprint Genetics
Classification: Likely benign. Last evaluated: 2024-09-12. Review status: criteria provided, single submitter. Criteria: ACMG Guidelines, 2015. Collection method: clinical testing. Allele origin: germline.

Labcorp Genetics (formerly Invitae), Labcorp
Classification: Likely benign. Last evaluated: 2018-07-29. Review status: criteria provided, single submitter. Criteria: Invitae Variant Classification Sherloc (09022015). Collection method: clinical testing. Allele origin: germline.

PreventionGenetics, part of Exact Sciences
Classification: Likely benign for HNRNPA1-related condition. Last evaluated: 2020-08-19. Review status: no assertion criteria provided. Collection method: clinical testing. Allele origin: germline. Not counted in ClinVar's aggregate classification.
Comment: This variant is classified as likely benign based on ACMG/AMP sequence variant interpretation guidelines (Richards et al. 2015 PMID: 25741868, with internal and published modifications).

NM_031157.4(HNRNPA1):c.639T>C (p.Asn213=)

Gene: HNRNPA1 (heterogeneous nuclear ribonucleoprotein A1; plus strand). Cytogenetic location: 12q13.13.
Variant type: single nucleotide variant.
Coding change: c.639T>C on transcript NM_031157.4 (MANE Select); coding-DNA position 639, T replaced by C.
Protein change: p.Asn213=; no amino-acid change (asparagine 213 retained).
Molecular consequence: synonymous variant. On other transcripts: non-coding transcript variant (1).
Genome position (GRCh38, 1-based): chr12:54,282,628, T>C. VCF-style: chr12-54282628-T-C. GRCh37 (hg19) VCF-style: chr12-54676412-T-C.
Other names: p.Asn213=; c.639T>C (NM_031157.3); c.639T>C, p.Asn213= (NM_002136.4).
Identifiers: ClinVar variation 705020 (VCV000705020.14), dbSNP rs182586860, ClinGen allele CA6606270.
Genomic context (GRCh38, chr12:54,282,628, plus strand): 5'-TTAAGGTCGAAGTGGTTCTGGAAACTTTGGTGGTGGTCGTGGAGGTGGTTTCGGTGGGAA[T>C]GACAACTTCGGTCGTGGAGGAAACTTCAGTGGTCGTGGTATGTATGGTTTATCTACATGT-3'
Protein context (NP_112420.1, residues 203-223): GGGRGGGFGG[Asn213=]DNFGRGGNFS